The following is an entry in ClinVar:

ClinVar aggregate classification (germline): Benign. Review status: criteria provided, multiple submitters, no conflicts (2 of 4 stars). 3 submissions from 3 submitters: Benign (2). 1 of the submissions does not count toward it. Last evaluated 2018-02-08.

Conditions:
TARS1-related disorder. Also called: TARS1-related condition.

Allele frequency attached by ClinVar (database versions not stated): ESP Exome Variant Server 0.00023; gnomAD exomes 0.00137 and 0.00558; gnomAD 0.00301 and 0.00310; ExAC 0.00446; TOPMed 0.00561; 1000 Genomes Project 0.00659; 1000 Genomes Project 30x 0.00718.
gnomAD v4.1: 2,511 of 1,613,716 alleles (0.16%); highest among the groups gnomAD compares: Admixed American, 3.6%; 59 homozygotes.

Submissions (3):

Labcorp Genetics (formerly Invitae), Labcorp
Classification: Benign. Last evaluated: 2018-02-08. Review status: criteria provided, single submitter. Criteria: Invitae Variant Classification Sherloc (09022015). Collection method: clinical testing. Allele origin: germline.

Breakthrough Genomics
Classification: Benign. Review status: criteria provided, single submitter. Criteria: ACMG Guidelines, 2015. Collection method: not provided. Allele origin: germline. Inheritance: Autosomal recessive inheritance. Affected: yes.

PreventionGenetics, part of Exact Sciences
Classification: Benign for TARS1-related condition. Last evaluated: 2019-12-03. Review status: no assertion criteria provided. Collection method: clinical testing. Allele origin: germline. Not counted in ClinVar's aggregate classification.
Comment: This variant is classified as benign based on ACMG/AMP sequence variant interpretation guidelines (Richards et al. 2015 PMID: 25741868, with internal and published modifications).

NM_152295.5(TARS1):c.525C>T (p.Tyr175=)

Gene: TARS1 (threonyl-tRNA synthetase 1; plus strand). Cytogenetic location: 5p13.3.
Variant type: single nucleotide variant.
Coding change: c.525C>T on transcript NM_152295.5 (MANE Select); coding-DNA position 525, C replaced by T.
Protein change: p.Tyr175=; no amino-acid change (tyrosine 175 retained).
Molecular consequence: synonymous variant. On other transcripts: non-coding transcript variant (3).
Genome position (GRCh38, 1-based): chr5:33,455,016, C>T. VCF-style: chr5-33455016-C-T. GRCh37 (hg19) VCF-style: chr5-33455121-C-T.
Other names: c.525C>T, p.Tyr175= (NM_001258437.1); c.624C>T, p.Tyr208= (NM_001258438.2).
Identifiers: ClinVar variation 771371 (VCV000771371.6), dbSNP rs144381018, ClinGen allele CA3223056.
Genomic context (GRCh38, chr5:33,455,016, plus strand): 5'-CTCTAGTGCTCACATAATGGGTGAAGCCATGGAAAGAGTCTATGGTGGATGTTTATGCTA[C>T]GGTCCGCCAATAGAAAATGGATTCTATTATGACATGTACCTCGAAGAAGGGTAAGCCATC-3'
Protein context (NP_689508.3, residues 165-185): MERVYGGCLC[Tyr175=]GPPIENGFYY